The following is an entry in ClinVar:

NM_001041.4(SI):c.65T>C (p.Ile22Thr)

Gene: SI (sucrase-isomaltase; minus strand). Cytogenetic location: 3q26.1.
Variant type: single nucleotide variant.
Coding change: c.65T>C on transcript NM_001041.4 (MANE Select); coding-DNA position 65, T replaced by C.
Protein change: p.Ile22Thr; replaces isoleucine 22 with threonine.
Molecular consequence: missense variant.
Genome position (GRCh38, 1-based): chr3:165,075,948, A>G on the plus strand (T>C on the coding strand, the complement: SI is on the minus strand). VCF-style: chr3-165075948-A-G. GRCh37 (hg19) VCF-style: chr3-164793736-A-G.
Other names: short protein forms I22T.
Identifiers: ClinVar variation 2636072 (VCV002636072.4), dbSNP rs770551110, ClinGen allele CA2691647.
Genomic context (GRCh38, chr3:165,075,948, plus strand): 5'-TACTTACCATCAACAGCAGGTGTCTTAGTTGCTAAAACAACAATTAAGGCAATAGCTATT[A>G]TAGTAACTATGACAAAAAGGACAATCAGAGAGATTTCCAATCCACTAAATTTCTTTCTTG-3'
Protein context (NP_001032.2, residues 12-32): SLIVLFVIVT[Ile22Thr]IAIALIVVLA

ClinVar aggregate classification (germline): Conflicting classifications of pathogenicity. Review status: criteria provided, conflicting classifications (1 of 4 stars). 2 submissions from 2 submitters: Uncertain significance (1); Likely benign (1). Last evaluated 2025-04-23.

Conditions:
SI-related disorder. Also called: SI-related condition.

Allele frequency attached by ClinVar (database versions not stated): TOPMed below 0.00001; gnomAD exomes 0.00006; gnomAD 0.00004; ExAC 0.00020.
gnomAD v4.1: 87 of 1,600,330 alleles (0.0054%); highest among the groups gnomAD compares: South Asian, 0.09%; 3 homozygotes.

Submissions (2):

Labcorp Genetics (formerly Invitae), Labcorp
Classification: Likely benign. Last evaluated: 2025-04-23. Review status: criteria provided, single submitter. Criteria: Invitae Variant Classification Sherloc (09022015). Collection method: clinical testing. Allele origin: germline.

PreventionGenetics, part of Exact Sciences
Classification: Uncertain significance for SI-related condition. Last evaluated: 2023-03-14. Review status: criteria provided, single submitter. Criteria: ACMG Guidelines, 2015. Collection method: clinical testing. Allele origin: germline.
Comment: The SI c.65T>C variant is predicted to result in the amino acid substitution p.Ile22Thr. To our knowledge, this variant has not been reported in the literature. This variant is reported in 0.13% of alleles in individuals of South Asian descent in gnomAD. Although we suspect that this variant may be benign, at this time, the clinical significance of this variant is uncertain due to the absence of conclusive functional and genetic evidence.